The following is an entry in ClinVar:

NC_000019.9:g.(?_15284859)_(15311716_?)dup

Gene: NOTCH3 (notch receptor 3; minus strand). Cytogenetic location: 19p13.12.
Variant type: Duplication.
Identifiers: ClinVar variation 1409620 (VCV001409620.5).

ClinVar aggregate classification (germline): Uncertain significance (1 of 4 stars; one submission).

Submission:

Labcorp Genetics (formerly Invitae), Labcorp
Classification: Uncertain significance. Last evaluated: 2022-02-24. Review status: criteria provided, single submitter. Criteria: Invitae Variant Classification Sherloc (09022015). Collection method: clinical testing. Allele origin: germline.
Comment: In summary, the available evidence is currently insufficient to determine the role of this variant in disease. Therefore, it has been classified as a Variant of Uncertain Significance. Experimental studies and prediction algorithms are not available or were not evaluated, and the functional significance of this variant is currently unknown. This variant has not been reported in the literature in individuals affected with NOTCH3-related conditions. This variant is a gross deletion of the genomic region encompassing exon(s) 1-25 of the NOTCH3 gene, which includes the initiator codon. This deletion extends beyond the assayed region for this gene and therefore may encompass additional genes. It is expected to result in an absent or disrupted protein product. However, the current clinical and genetic evidence is not sufficient to establish whether loss-of-function variants in NOTCH3 cause disease.